The following is an entry in ClinVar:

NM_001035.3(RYR2):c.1282A>G (p.Arg428Gly)

Gene: RYR2 (ryanodine receptor 2; plus strand). Cytogenetic location: 1q43.
Variant type: single nucleotide variant.
Coding change: c.1282A>G on transcript NM_001035.3 (MANE Select); coding-DNA position 1282, A replaced by G.
Protein change: p.Arg428Gly; replaces arginine 428 with glycine.
Molecular consequence: missense variant.
Genome position (GRCh38, 1-based): chr1:237,445,512, A>G. VCF-style: chr1-237445512-A-G. GRCh37 (hg19) VCF-style: chr1-237608812-A-G.
Other names: short protein forms R428G.
Identifiers: ClinVar variation 2631425 (VCV002631425.1), dbSNP rs2528381470, ClinGen allele CA345377878.
Genomic context (GRCh38, chr1:237,445,512, plus strand): 5'-TCCCAGCATGAAGAATCACGCACAGCCCGAGTTATCCGGAGCACAGTCTTCCTTTTCAAT[A>G]GATTTATAAGGTACTTTTTCTTTTGTAGGCGTAGTTGTTTGATACTTCATTTTCATTTCT-3'
Protein context (NP_001026.2, residues 418-438): VIRSTVFLFN[Arg428Gly]FIRGLDALSK

ClinVar aggregate classification (germline): Uncertain significance (1 of 4 stars; one submission).

Conditions:
RYR2-related disorder. Also called: RYR2-related condition.

Submission:

PreventionGenetics, part of Exact Sciences
Classification: Uncertain significance for RYR2-related condition. Last evaluated: 2023-07-20. Review status: criteria provided, single submitter. Criteria: ACMG Guidelines, 2015. Collection method: clinical testing. Allele origin: germline.
Comment: The RYR2 c.1282A>G variant is predicted to result in the amino acid substitution p.Arg428Gly. To our knowledge, this variant has not been reported in the literature or in a large population database, indicating this variant is rare. At this time, the clinical significance of this variant is uncertain due to the absence of conclusive functional and genetic evidence.